The following is an entry in ClinVar:

ClinVar aggregate classification (germline): Pathogenic. Review status: criteria provided, multiple submitters, no conflicts (2 of 4 stars). 2 submissions from 2 submitters: Pathogenic (2). Last evaluated 2024-07-22.

Conditions:
Hypotonia, infantile, with psychomotor retardation and characteristic facies 3 (IHPRF3). Also called: TBCK-Related Neurodevelopmental Disorder. Identifiers: Orphanet 488632, MedGen C5567480, MONDO:0014823, OMIM 616900.

Submissions (2):

Clinical Genetics and Genomics, Karolinska University Hospital
Classification: Pathogenic for Hypotonia, infantile, with psychomotor retardation and characteristic facies 3. Last evaluated: 2024-07-22. Review status: criteria provided, single submitter. Criteria: ACMG Guidelines, 2015. Collection method: clinical testing. Allele origin: maternal. Affected: yes.
Comment: This deletion affects exon 23 of the TBCK gene. RNAseq shows exon skipping of exon 23 and loss-of-function variants in TBCK are known to be pathogenic (PMID: 27040692, 30103036). Disruption exon 23 has been observed in individual with TBCK-related conditions (Variation ID: 978028). For these reasons, this variant has been classified as Pathogenic.

Undiagnosed Diseases Network, NIH
Classification: Pathogenic for Hypotonia, infantile, with psychomotor retardation and characteristic facies 3. Last evaluated: 2020-05-19. Review status: criteria provided, single submitter. Criteria: ACMG Guidelines, 2015. Collection method: clinical testing. Allele origin: inherited. Inheritance: Autosomal recessive inheritance. Affected: yes. Observed: 1 variant allele, 1 homozygote. Study: Undiagnosed Diseases Network (NIH), UDN.

NM_001163435.3(TBCK):c.2060-6793_2235+427del

Gene: TBCK (TBC1 domain containing kinase; minus strand). Cytogenetic location: 4q24.
Variant type: Deletion.
Coding change: c.2060-6793_2235+427del on transcript NM_001163435.3 (MANE Select); 6793 bases into the intron before coding-DNA position 2060 through 427 bases into the intron after coding-DNA position 2235, 7,396 bases deleted.
Molecular consequence: splice acceptor variant, splice donor variant.
Genome position (GRCh38, 1-based): chr4:106,170,668-106,178,063, 7,396 bases deleted. GRCh37 (hg19): chr4:107,091,826-107,099,221.
Other names: c.1544-6793_1719+427del (NM_001290768.2); c.2060-6793_2235+427del (NM_001163436.4); c.1871-6793_2046+427del (NM_033115.5); c.1943-6793_2118+427del (NM_001163437.3).
Identifiers: ClinVar variation 978028 (VCV000978028.5), ClinGen allele CA1139658594.